The following is an entry in ClinVar:

NM_000297.4(PKD2):c.1892_1893del (p.Glu631fs)

Gene: PKD2 (polycystin 2, transient receptor potential cation channel; plus strand). Cytogenetic location: 4q22.1.
Variant type: Microsatellite.
Coding change: c.1892_1893del on transcript NM_000297.4 (MANE Select); coding-DNA positions 1892 to 1893, 2 bases deleted (AG; older notation c.1892_1893delAG).
Protein change: p.Glu631fs; shifts the reading frame from glutamic acid 631.
Molecular consequence: frameshift variant. On other transcripts: non-coding transcript variant (1).
Genome position (GRCh38, 1-based): chr4:88,056,261-88,056,262, AG deleted; deleting any 2 consecutive bases within chr4:88,056,259-88,056,262 gives the same sequence; the c. name uses the placement nearest the transcript's 3' end. VCF-style (leftmost placement, unchanged base first): chr4-88056258-AAG-A. GRCh37 (hg19) VCF-style: chr4-88977410-AAG-A.
Other names: c.1667_1668del, p.Glu556fs (NM_001440544.1); short protein forms E556fs, E631fs.
Identifiers: ClinVar variation 4994029 (VCV004994029.1).

ClinVar aggregate classification (germline): Pathogenic (1 of 4 stars; one submission).

Conditions:
PKD2-related disorder. Also called: PKD2-related condition.

Submission:

PreventionGenetics, part of Exact Sciences
Classification: Pathogenic for PKD2-related condition. Last evaluated: 2025-10-28. Review status: criteria provided, single submitter. Criteria: ACMG Guidelines, 2015. Collection method: clinical testing. Allele origin: germline.
Comment: The PKD2 c.1892_1893delAG variant is predicted to result in a frameshift and premature protein termination (p.Glu631Valfs*19). To our knowledge, this variant has not been reported in the literature or in a large population database (gnomAD), indicating this variant is rare. Frameshift variants in PKD2 are expected to be pathogenic. This variant is interpreted as pathogenic.